The following is an entry in ClinVar:

ClinVar aggregate classification (germline): Uncertain significance (1 of 4 stars; one submission).

Conditions:
Hereditary cancer-predisposing syndrome. Also called: Hereditary neoplastic syndrome; Tumor predisposition; Hereditary Cancer Syndrome; Neoplastic Syndromes, Hereditary. Identifiers: Orphanet 140162, MedGen C0027672, MeSH D009386, MONDO:0015356.

Submission:

Ambry Genetics
Classification: Uncertain significance for Hereditary cancer-predisposing syndrome. Last evaluated: 2023-07-27. Review status: criteria provided, single submitter. Criteria: Ambry Variant Classification Scheme 2023. Collection method: clinical testing. Allele origin: germline.
Comment: The p.T1085I variant (also known as c.3254C>T), located in coding exon 20 of the ALK gene, results from a C to T substitution at nucleotide position 3254. The threonine at codon 1085 is replaced by isoleucine, an amino acid with similar properties. This amino acid position is conserved. In addition, the in silico prediction for this alteration is inconclusive. Since supporting evidence is limited at this time, the clinical significance of this alteration remains unclear.

NM_004304.5(ALK):c.3254C>T (p.Thr1085Ile)

Gene: ALK (ALK receptor tyrosine kinase; minus strand). Cytogenetic location: 2p23.2.
Variant type: single nucleotide variant.
Coding change: c.3254C>T on transcript NM_004304.5 (MANE Select); coding-DNA position 3254, C replaced by T.
Protein change: p.Thr1085Ile; replaces threonine 1085 with isoleucine.
Molecular consequence: missense variant.
Genome position (GRCh38, 1-based): chr2:29,223,447, G>A on the plus strand (C>T on the coding strand, the complement: ALK is on the minus strand). VCF-style: chr2-29223447-G-A. GRCh37 (hg19) VCF-style: chr2-29446313-G-A.
Other names: c.50C>T, p.Thr17Ile (NM_001353765.2); short protein forms T1085I, T17I.
Identifiers: ClinVar variation 2586691 (VCV002586691.2), dbSNP rs1460007760, ClinGen allele CA346465165.